The following is an entry in ClinVar:

NM_000264.5(PTCH1):c.3926_3927delinsGC (p.Glu1309Gly)

Gene: PTCH1 (patched 1; minus strand). Cytogenetic location: 9q22.32.
Variant type: Indel.
Coding change: c.3926_3927delinsGC on transcript NM_000264.5 (MANE Select); coding-DNA positions 3926 to 3927, AA replaced by GC.
Protein change: p.Glu1309Gly; replaces glutamic acid 1309 with glycine.
Molecular consequence: missense variant. On other transcripts: non-coding transcript variant (1).
Genome position (GRCh38, 1-based): chr9:95,447,329-95,447,330, TT replaced by GC on the plus strand (AA replaced by GC on the coding strand, the reverse complement: PTCH1 is on the minus strand). VCF-style: chr9-95447329-TT-GC. GRCh37 (hg19) VCF-style: chr9-98209611-TT-GC.
Other names: c.3728_3729delinsGC, p.Glu1243Gly (NM_001083602.3); c.3923_3924delinsGC, p.Glu1308Gly (NM_001083603.3); c.3473_3474delinsGC, p.Glu1158Gly (NM_001083604.3, NM_001083605.3, NM_001083606.3 and 1 more transcripts); c.3770_3771delinsGC, p.Glu1257Gly (NM_001354918.2); short protein forms E1158G, E1243G, E1257G, E1308G, E1309G.
Identifiers: ClinVar variation 3614202 (VCV003614202.2).

ClinVar aggregate classification (germline): Uncertain significance (1 of 4 stars; one submission).

Conditions:
Gorlin syndrome. Also called: Basal cell nevus syndrome; Nevoid Basal Cell Carcinoma Syndrome. Identifiers: Orphanet 377, MedGen C0004779, MONDO:0007187.

Submission:

Labcorp Genetics (formerly Invitae), Labcorp
Classification: Uncertain significance for Gorlin syndrome. Last evaluated: 2024-09-19. Review status: criteria provided, single submitter. Criteria: Invitae Variant Classification Sherloc (09022015). Collection method: clinical testing. Allele origin: germline.
Comment: This sequence change replaces glutamic acid, which is acidic and polar, with glycine, which is neutral and non-polar, at codon 1309 of the PTCH1 protein (p.Glu1309Gly). Information on the frequency of this variant in the gnomAD database is not available, as this variant may be reported differently in the database. This variant has not been reported in the literature in individuals affected with PTCH1-related conditions. An algorithm developed to predict the effect of missense changes on protein structure and function (PolyPhen-2) suggests that this variant is likely to be tolerated. In summary, the available evidence is currently insufficient to determine the role of this variant in disease. Therefore, it has been classified as a Variant of Uncertain Significance.